The following is an entry in ClinVar:

ClinVar aggregate classification (germline): Likely pathogenic. Review status: criteria provided, multiple submitters, no conflicts (2 of 4 stars). 3 submissions from 3 submitters: Likely pathogenic (3). Last evaluated 2024-06-17.

Conditions:
Nephronophthisis. Also called: Juvenile Nephronophthisis. Identifiers: Orphanet 655, MedGen C0687120, MONDO:0019005, HP:0000090.
Senior-Loken syndrome 4 (SLSN4). Identifiers: Orphanet 3156, MedGen C1846979, MONDO:0011756, OMIM 606996.
Nephronophthisis 4 (NPHP4). Also called: NEPHRONOPHTHISIS 4, JUVENILE. Identifiers: Orphanet 655, MedGen C1847013, MONDO:0011752, OMIM 606966.

Allele frequency attached by ClinVar (database versions not stated): gnomAD exomes 0.00001 and 0.00002; ExAC 0.00002; gnomAD 0.00002; TOPMed 0.00002.
gnomAD v4.1: 26 of 1,592,718 alleles (0.0016%); highest among the groups gnomAD compares: Non-Finnish European, 0.002%; no homozygotes.

Submissions (5):

Labcorp Genetics (formerly Invitae), Labcorp
Classification: Likely pathogenic for Nephronophthisis. Last evaluated: 2024-06-17. Review status: criteria provided, single submitter. Criteria: Invitae Variant Classification Sherloc (09022015). Collection method: clinical testing. Allele origin: germline.
Comment: This sequence change affects an acceptor splice site in intron 5 of the NPHP4 gene. It is expected to disrupt RNA splicing. Variants that disrupt the donor or acceptor splice site typically lead to a loss of protein function (PMID: 16199547), and loss-of-function variants in NPHP4 are known to be pathogenic (PMID: 12205563, 23559409). This variant is present in population databases (rs761142233, gnomAD 0.009%). This variant has not been reported in the literature in individuals affected with NPHP4-related conditions. ClinVar contains an entry for this variant (Variation ID: 1324817). Algorithms developed to predict the effect of sequence changes on RNA splicing suggest that this variant may disrupt the consensus splice site. In summary, the currently available evidence indicates that the variant is pathogenic, but additional data are needed to prove that conclusively. Therefore, this variant has been classified as Likely Pathogenic.

Fulgent Genetics
Classification: Likely pathogenic for Nephronophthisis 4; Senior-Loken syndrome 4. Last evaluated: 2024-06-11. Review status: criteria provided, single submitter. Criteria: ACMG Guidelines, 2015. Collection method: clinical testing. Allele origin: germline.

Revvity Omics, Revvity
Classification: Likely pathogenic. Last evaluated: 2020-10-15. Review status: criteria provided, single submitter. Criteria: ACMG Guidelines, 2015. Collection method: clinical testing. Allele origin: germline.

Dr. Peter K. Rogan Lab, Western University
No classification provided (evidence only). Condition: Clear cell carcinoma of kidney. Review status: no classification provided. Collection method: in vitro. Allele origin: not applicable. Functional consequence: retained intron. Not counted in ClinVar's aggregate classification.

Dr. Peter K. Rogan Lab, Western University
No classification provided (evidence only). Condition: Chronic lymphocytic leukemia/small lymphocytic lymphoma. Review status: no classification provided. Collection method: in vitro. Allele origin: not applicable. Functional consequence: retained intron. Not counted in ClinVar's aggregate classification.

Literature cited by the submitters: PubMed 16199547 (cited by Labcorp Genetics (formerly Invitae), Labcorp); PubMed 12205563 (cited by Labcorp Genetics (formerly Invitae), Labcorp); PubMed 23559409 (cited by Labcorp Genetics (formerly Invitae), Labcorp).

NM_015102.5(NPHP4):c.518-2A>G

Gene: NPHP4 (nephrocystin 4; minus strand). Cytogenetic location: 1p36.31.
Variant type: single nucleotide variant.
Coding change: c.518-2A>G on transcript NM_015102.5 (MANE Select); the canonical splice acceptor site of the intron before coding-DNA position 518, A replaced by G.
Molecular consequence: splice acceptor variant.
Genome position (GRCh38, 1-based): chr1:5,961,951, T>C on the plus strand (A>G on the coding strand, the complement: NPHP4 is on the minus strand). VCF-style: chr1-5961951-T-C. GRCh37 (hg19) VCF-style: chr1-6022011-T-C.
Other names: c.-849-2A>G (NM_001291594.2); c.-712-2A>G (NM_001291593.2).
Identifiers: ClinVar variation 1324817 (VCV001324817.13), dbSNP rs761142233, ClinGen allele CA554809.